The following is an entry in ClinVar:

ClinVar aggregate classification (germline): Uncertain significance (1 of 4 stars; one submission).

Conditions:
Insulin-dependent diabetes mellitus secretory diarrhea syndrome (IPEX). Also called: Immunodeficiency, Polyendocrinopathy, and Enteropathy X-Linked Syndrome; X-Linked Syndrome of Polyendocrinopathy, Immune Dysfunction, and Diarrhea; IPEX and IPEX-Like; Immune dysregulation-polyendocrinopathy-enteropathy-X-linked syndrome; X-Linked Autoimmunity-Allergic Dysregulation Syndrome; DIABETES MELLITUS, CONGENITAL INSULIN-DEPENDENT, WITH FATAL SECRETORY DIARRHEA. Identifiers: Orphanet 37042, MedGen C0342288, MONDO:0010580, OMIM 304790. Disease mechanism: loss of function.

gnomAD v4.1: 15 of 1,207,897 alleles (0.0012%); highest among the groups gnomAD compares: Non-Finnish European, 0.0017%; no homozygotes.

Submission:

Labcorp Genetics (formerly Invitae), Labcorp
Classification: Uncertain significance for Insulin-dependent diabetes mellitus secretory diarrhea syndrome. Last evaluated: 2023-05-25. Review status: criteria provided, single submitter. Criteria: Invitae Variant Classification Sherloc (09022015). Collection method: clinical testing. Allele origin: germline.
Comment: This sequence change replaces valine, which is neutral and non-polar, with leucine, which is neutral and non-polar, at codon 283 of the FOXP3 protein (p.Val283Leu). In summary, the available evidence is currently insufficient to determine the role of this variant in disease. Therefore, it has been classified as a Variant of Uncertain Significance. Advanced modeling of protein sequence and biophysical properties (such as structural, functional, and spatial information, amino acid conservation, physicochemical variation, residue mobility, and thermodynamic stability) performed at Invitae indicates that this missense variant is not expected to disrupt FOXP3 protein function. This variant has not been reported in the literature in individuals affected with FOXP3-related conditions. This variant is not present in population databases (gnomAD no frequency).

NM_014009.4(FOXP3):c.847G>T (p.Val283Leu)

Gene: FOXP3 (forkhead box P3; minus strand). Cytogenetic location: Xp11.23.
Variant type: single nucleotide variant.
Coding change: c.847G>T on transcript NM_014009.4 (MANE Select); coding-DNA position 847, G replaced by T.
Protein change: p.Val283Leu; replaces valine 283 with leucine.
Molecular consequence: missense variant.
Genome position (GRCh38, 1-based): chrX:49,254,037, C>A on the plus strand (G>T on the coding strand, the complement: FOXP3 is on the minus strand). VCF-style: chrX-49254037-C-A. GRCh37 (hg19) VCF-style: chrX-49110498-C-A.
Other names: c.742G>T, p.Val248Leu (NM_001114377.2); short protein forms V248L, V283L.
Identifiers: ClinVar variation 2721887 (VCV002721887.3), dbSNP rs1557115946, ClinGen allele CA412950776.